The following is an entry in ClinVar:

NM_004380.3(CREBBP):c.5760C>T (p.Gly1920=)

Gene: CREBBP (CREB binding lysine acetyltransferase; minus strand). Cytogenetic location: 16p13.3.
Variant type: single nucleotide variant.
Coding change: c.5760C>T on transcript NM_004380.3 (MANE Select); coding-DNA position 5760, C replaced by T.
Protein change: p.Gly1920=; no amino-acid change (glycine 1920 retained).
Molecular consequence: synonymous variant.
Genome position (GRCh38, 1-based): chr16:3,729,287, G>A on the plus strand (C>T on the coding strand, the complement: CREBBP is on the minus strand). VCF-style: chr16-3729287-G-A. GRCh37 (hg19) VCF-style: chr16-3779288-G-A.
Other names: c.5646C>T, p.Gly1882= (NM_001079846.1).
Identifiers: ClinVar variation 4987252 (VCV004987252.1).

ClinVar aggregate classification (germline): Likely benign (1 of 4 stars; one submission).

Conditions:
CREBBP-related disorder. Also called: CREBBP-related disorders; CREBBP-related condition.

Submission:

PreventionGenetics, part of Exact Sciences
Classification: Likely benign for CREBBP-related condition. Last evaluated: 2026-09-23. Review status: criteria provided, single submitter. Criteria: ACMG Guidelines, 2015. Collection method: clinical testing. Allele origin: germline.
Comment: This variant is classified as likely benign based on ACMG/AMP sequence variant interpretation guidelines (Richards et al. 2015 PMID: 25741868, with internal and published modifications).